The following is an entry in ClinVar:

ClinVar aggregate classification (germline): Uncertain significance (1 of 4 stars; one submission).

Allele frequency attached by ClinVar (database versions not stated): ExAC 0.00001; gnomAD exomes 0.00001.

Submission:

Labcorp Genetics (formerly Invitae), Labcorp
Classification: Uncertain significance. Last evaluated: 2022-03-09. Review status: criteria provided, single submitter. Criteria: Invitae Variant Classification Sherloc (09022015). Collection method: clinical testing. Allele origin: germline.
Comment: This sequence change replaces glycine, which is neutral and non-polar, with glutamic acid, which is acidic and polar, at codon 57 of the SLC24A5 protein (p.Gly57Glu). This variant is present in population databases (rs773135046, gnomAD 0.002%). This variant has not been reported in the literature in individuals affected with SLC24A5-related conditions. Algorithms developed to predict the effect of missense changes on protein structure and function (SIFT, PolyPhen-2, Align-GVGD) all suggest that this variant is likely to be tolerated. In summary, the available evidence is currently insufficient to determine the role of this variant in disease. Therefore, it has been classified as a Variant of Uncertain Significance.

NM_205850.3(SLC24A5):c.170G>A (p.Gly57Glu)

Gene: SLC24A5 (solute carrier family 24 member 5; plus strand). Cytogenetic location: 15q21.1.
Variant type: single nucleotide variant.
Coding change: c.170G>A on transcript NM_205850.3 (MANE Select); coding-DNA position 170, G replaced by A.
Protein change: p.Gly57Glu; replaces glycine 57 with glutamic acid.
Molecular consequence: missense variant.
Genome position (GRCh38, 1-based): chr15:48,121,905, G>A. VCF-style: chr15-48121905-G-A. GRCh37 (hg19) VCF-style: chr15-48414102-G-A.
Other names: short protein forms G57E.
Identifiers: ClinVar variation 1386552 (VCV001386552.3), dbSNP rs773135046, ClinGen allele CA7545779.
Genomic context (GRCh38, chr15:48,121,905, plus strand): 5'-TTTCCTTAACAGGAAATAGCACCCAATGTGTTATTTCTCCATCATCGGAGTTTCCCGAAG[G>A]GTTTTTCACGAGACAGGAGCGCAGAGATGGAGGCATCATAATCTATTTCCTAATTATCGT-3'
Protein context (NP_995322.1, residues 47-67): VISPSSEFPE[Gly57Glu]FFTRQERRDG